The following is an entry in ClinVar:

ClinVar aggregate classification (germline): Conflicting classifications of pathogenicity. Review status: criteria provided, conflicting classifications (1 of 4 stars). 2 submissions from 2 submitters: Pathogenic (1); Uncertain significance (1). Last evaluated 2024-03-24.

Conditions:
Erythrocytosis, familial, 3 (ECYT3). Identifiers: Orphanet 247511, MedGen C1853286, MONDO:0012353, OMIM 609820.
Hemoglobin, high altitude adaptation (HALAH). Identifiers: MedGen C1836778, OMIM 609070.

Submissions (2):

Labcorp Genetics (formerly Invitae), Labcorp
Classification: Pathogenic for Erythrocytosis, familial, 3. Last evaluated: 2024-03-24. Review status: criteria provided, single submitter. Criteria: Invitae Variant Classification Sherloc (09022015). Collection method: clinical testing. Allele origin: germline.
Comment: This sequence change creates a premature translational stop signal (p.Arg344*) in the EGLN1 gene. It is expected to result in an absent or disrupted protein product. Loss-of-function variants in EGLN1 are known to be pathogenic (PMID: 17933562, 21933857). This variant is not present in population databases (gnomAD no frequency). This premature translational stop signal has been observed in individual(s) with clinical features of erythrocytosis (PMID: 29790589, 35142155). For these reasons, this variant has been classified as Pathogenic.

Fulgent Genetics
Classification: Uncertain significance for Hemoglobin, high altitude adaptation; Erythrocytosis, familial, 3. Last evaluated: 2024-02-17. Review status: criteria provided, single submitter. Criteria: ACMG Guidelines, 2015. Collection method: clinical testing. Allele origin: germline.

Literature cited by the submitters: PubMed 17933562 (cited by Labcorp Genetics (formerly Invitae), Labcorp); PubMed 21933857 (cited by Labcorp Genetics (formerly Invitae), Labcorp); PubMed 29790589 (cited by Labcorp Genetics (formerly Invitae), Labcorp); PubMed 35142155 (cited by Labcorp Genetics (formerly Invitae), Labcorp).

NM_022051.3(EGLN1):c.1030C>T (p.Arg344Ter)

Gene: EGLN1 (egl-9 family hypoxia inducible factor 1; minus strand). Cytogenetic location: 1q42.2.
Variant type: single nucleotide variant.
Coding change: c.1030C>T on transcript NM_022051.3 (MANE Select); coding-DNA position 1030, C replaced by T.
Protein change: p.Arg344Ter; replaces arginine 344 with a stop codon.
Molecular consequence: nonsense. On other transcripts: intron variant (1).
Genome position (GRCh38, 1-based): chr1:231,370,680, G>A on the plus strand (C>T on the coding strand, the complement: EGLN1 is on the minus strand). VCF-style: chr1-231370680-G-A. GRCh37 (hg19) VCF-style: chr1-231506426-G-A.
Other names: c.1030C>T, p.Arg344Ter (NM_001377260.1); c.1012-3044C>T (NM_001377261.1); short protein forms R344*.
Identifiers: ClinVar variation 3581351 (VCV003581351.3).